The following is an entry in ClinVar:

NM_006947.4(SRP72):c.482G>C (p.Trp161Ser)

Gene: SRP72 (signal recognition particle 72; plus strand). Cytogenetic location: 4q12.
Variant type: single nucleotide variant.
Coding change: c.482G>C on transcript NM_006947.4 (MANE Select); coding-DNA position 482, G replaced by C.
Protein change: p.Trp161Ser; replaces tryptophan 161 with serine.
Molecular consequence: missense variant. On other transcripts: non-coding transcript variant (1).
Genome position (GRCh38, 1-based): chr4:56,474,181, G>C. VCF-style: chr4-56474181-G-C. GRCh37 (hg19) VCF-style: chr4-57340347-G-C.
Other names: c.482G>C, p.Trp161Ser (NM_001267722.2); short protein forms W161S.
Identifiers: ClinVar variation 4865156 (VCV004865156.1).

ClinVar aggregate classification (germline): Uncertain significance (1 of 4 stars; one submission).

Submission:

Ambry Genetics
Classification: Uncertain significance. Last evaluated: 2026-06-06. Review status: criteria provided, single submitter. Criteria: Ambry Variant Classification Scheme 2023. Collection method: clinical testing. Allele origin: germline.
Comment: The p.W161S variant (also known as c.482G>C), located in coding exon 4 of the SRP72 gene, results from a G to C substitution at nucleotide position 482. The tryptophan at codon 161 is replaced by serine, an amino acid with highly dissimilar properties. This amino acid position is conserved. In addition, the in silico prediction for this alteration is inconclusive. Based on the available evidence, the clinical significance of this variant remains unclear.